The following is an entry in ClinVar:

ClinVar aggregate classification (germline): Uncertain significance (1 of 4 stars; one submission).

Conditions:
TWIST1-related craniosynostosis (CRS1). Also called: CRANIOSYNOSTOSIS 1. Identifiers: Orphanet 63440, MedGen C4551902, MONDO:0007399, OMIM 123100. Inheritance: Heterogenous inheritance pattern.
Saethre-Chotzen syndrome (SCS). Also called: ACROCEPHALY, SKULL ASYMMETRY, AND MILD SYNDACTYLY; ACS III; CHOTZEN SYNDROME. Identifiers: Orphanet 794, MedGen C0175699, MONDO:0007042, OMIM 101400.

Submission:

Labcorp Genetics (formerly Invitae), Labcorp
Classification: Uncertain significance for TWIST1-related craniosynostosis; Saethre-Chotzen syndrome. Last evaluated: 2024-08-29. Review status: criteria provided, single submitter. Criteria: Invitae Variant Classification Sherloc (09022015). Collection method: clinical testing. Allele origin: germline.
Comment: This sequence change replaces aspartic acid, which is acidic and polar, with glutamic acid, which is acidic and polar, at codon 141 of the TWIST1 protein (p.Asp141Glu). This variant is not present in population databases (gnomAD no frequency). This variant has not been reported in the literature in individuals affected with TWIST1-related conditions. An algorithm developed to predict the effect of missense changes on protein structure and function (PolyPhen-2) suggests that this variant is likely to be disruptive. This variant disrupts the p.Asp141 amino acid residue in TWIST1. Other variant(s) that disrupt this residue have been observed in individuals with TWIST1-related conditions (PMID: 9259286, 9585583, 26114524), which suggests that this may be a clinically significant amino acid residue. In summary, the available evidence is currently insufficient to determine the role of this variant in disease. Therefore, it has been classified as a Variant of Uncertain Significance.

Literature cited by the submitters: PubMed 9259286; PubMed 9585583; PubMed 26114524.

NM_000474.4(TWIST1):c.423C>G (p.Asp141Glu)

Genes: TWIST1 (twist family bHLH transcription factor 1; minus strand), LOC129998021 (ATAC-STARR-seq lymphoblastoid active region 25682; plus strand). Cytogenetic location: 7p21.1.
Variant type: single nucleotide variant.
Coding change: c.423C>G on transcript NM_000474.4 (MANE Select); coding-DNA position 423, C replaced by G.
Protein change: p.Asp141Glu; replaces aspartic acid 141 with glutamic acid.
Molecular consequence: missense variant. On other transcripts: non-coding transcript variant (1).
Genome position (GRCh38, 1-based): chr7:19,116,899, G>C on the plus strand (C>G on the coding strand, the complement: TWIST1 is on the minus strand). VCF-style: chr7-19116899-G-C. GRCh37 (hg19) VCF-style: chr7-19156522-G-C.
Other names: short protein forms D141E.
Identifiers: ClinVar variation 3763574 (VCV003763574.2).